The following is an entry in ClinVar:

ClinVar aggregate classification (germline): Uncertain significance (1 of 4 stars; one submission).

Conditions:
Oligosynaptic infertility (SPGF1). Also called: SPERMATOGENIC FAILURE 1; OLIGOCHIASMATIC INFERTILITY. Identifiers: MedGen C0403810, MONDO:0009776, OMIM 258150.
46 XY differences of sex development. Also called: 46,XY disorder of sex development; 46, XY disorder of sex development (DSD). Identifiers: Orphanet 98085, MedGen C2751824, MONDO:0020040.

Submission:

Labcorp Genetics (formerly Invitae), Labcorp
Classification: Uncertain significance for 46 XY differences of sex development; Oligosynaptic infertility. Last evaluated: 2019-03-29. Review status: criteria provided, single submitter. Criteria: Invitae Variant Classification Sherloc (09022015). Collection method: clinical testing. Allele origin: germline.
Comment: Algorithms developed to predict the effect of missense changes on protein structure and function (SIFT, PolyPhen-2, Align-GVGD) all suggest that this variant is likely to be disruptive, but these predictions have not been confirmed by published functional studies and their clinical significance is uncertain. This sequence change replaces tyrosine with cysteine at codon 436 of the NR5A1 protein (p.Tyr436Cys). The tyrosine residue is highly conserved and there is a large physicochemical difference between tyrosine and cysteine. This variant is not present in population databases (ExAC no frequency). This variant has not been reported in the literature in individuals with NR5A1-related conditions. In summary, the available evidence is currently insufficient to determine the role of this variant in disease. Therefore, it has been classified as a Variant of Uncertain Significance.

NM_004959.5(NR5A1):c.1307A>G (p.Tyr436Cys)

Gene: NR5A1 (nuclear receptor subfamily 5 group A member 1; minus strand). Cytogenetic location: 9q33.3.
Variant type: single nucleotide variant.
Coding change: c.1307A>G on transcript NM_004959.5 (MANE Select); coding-DNA position 1307, A replaced by G.
Protein change: p.Tyr436Cys; replaces tyrosine 436 with cysteine.
Molecular consequence: missense variant.
Genome position (GRCh38, 1-based): chr9:124,482,837, T>C on the plus strand (A>G on the coding strand, the complement: NR5A1 is on the minus strand). VCF-style: chr9-124482837-T-C. GRCh37 (hg19) VCF-style: chr9-127245116-T-C.
Other names: short protein forms Y436C.
Identifiers: ClinVar variation 846546 (VCV000846546.10), dbSNP rs1832149850, ClinGen allele CA374878310.